The following is an entry in ClinVar:

ClinVar aggregate classification (germline): Benign. Review status: criteria provided, multiple submitters, no conflicts (2 of 4 stars). 2 submissions from 2 submitters: Benign (2). Last evaluated 2018-06-19.

Allele frequency attached by ClinVar (database versions not stated): 1000 Genomes Project 0.75659; 1000 Genomes Project 30x 0.76171; gnomAD exomes 0.79200; TOPMed 0.80596; gnomAD 0.82340.
gnomAD v4.1: 568,296 of 713,042 alleles (80%); highest among the groups gnomAD compares: African/African-American, 86%; 228,240 homozygotes.

Submissions (2):

GeneDx
Classification: Benign. Last evaluated: 2018-06-19. Review status: criteria provided, single submitter. Criteria: GeneDx Variant Classification (06012015). Collection method: clinical testing. Allele origin: germline. Affected: yes.
Comment: This variant is considered likely benign or benign based on one or more of the following criteria: it is a conservative change, it occurs at a poorly conserved position in the protein, it is predicted to be benign by multiple in silico algorithms, and/or has population frequency not consistent with disease.

Breakthrough Genomics
Classification: Benign. Review status: criteria provided, single submitter. Criteria: ACMG Guidelines, 2015. Collection method: not provided. Allele origin: germline. Inheritance: Autosomal dominant inheritance. Affected: yes.

NM_006514.4(SCN10A):c.4282-152A>T

Gene: SCN10A (sodium voltage-gated channel alpha subunit 10; minus strand). Cytogenetic location: 3p22.2.
Variant type: single nucleotide variant.
Coding change: c.4282-152A>T on transcript NM_006514.4 (MANE Select); 152 bases into the intron before coding-DNA position 4282, A replaced by T.
Molecular consequence: intron variant.
Genome position (GRCh38, 1-based): chr3:38,707,535, T>A on the plus strand (A>T on the coding strand, the complement: SCN10A is on the minus strand). VCF-style: chr3-38707535-T-A. GRCh37 (hg19) VCF-style: chr3-38749026-T-A.
Other names: c.3988-152A>T (NM_001293307.2); c.4279-152A>T (NM_001293306.2).
Identifiers: ClinVar variation 669293 (VCV000669293.2), dbSNP rs6599248, ClinGen allele CA11471173.